The following is an entry in ClinVar:

NM_004646.4(NPHS1):c.2737C>T (p.Gln913Ter)

Gene: NPHS1 (NPHS1 adhesion molecule, nephrin; minus strand). Cytogenetic location: 19q13.12.
Variant type: single nucleotide variant.
Coding change: c.2737C>T on transcript NM_004646.4 (MANE Select); coding-DNA position 2737, C replaced by T.
Protein change: p.Gln913Ter; replaces glutamine 913 with a stop codon.
Molecular consequence: nonsense.
Genome position (GRCh38, 1-based): chr19:35,841,793, G>A on the plus strand (C>T on the coding strand, the complement: NPHS1 is on the minus strand). VCF-style: chr19-35841793-G-A. GRCh37 (hg19) VCF-style: chr19-36332695-G-A.
Other names: short protein forms Q913*.
Identifiers: ClinVar variation 3239965 (VCV003239965.4), dbSNP rs758406223.

ClinVar aggregate classification (germline): Pathogenic (1 of 4 stars; one submission).

Submission:

Labcorp Genetics (formerly Invitae), Labcorp
Classification: Pathogenic. Last evaluated: 2024-03-13. Review status: criteria provided, single submitter. Criteria: Invitae Variant Classification Sherloc (09022015). Collection method: clinical testing. Allele origin: germline.
Comment: This sequence change creates a premature translational stop signal (p.Gln913*) in the NPHS1 gene. It is expected to result in an absent or disrupted protein product. Loss-of-function variants in NPHS1 are known to be pathogenic (PMID: 11317351, 11854170, 12039988). This variant is not present in population databases (gnomAD no frequency). This variant has not been reported in the literature in individuals affected with NPHS1-related conditions. For these reasons, this variant has been classified as Pathogenic.

Literature cited by the submitters: PubMed 11317351; PubMed 11854170; PubMed 12039988.